The following is an entry in ClinVar:

NM_030631.4(SLC25A21):c.43C>T (p.Arg15Trp)

Genes: SLC25A21 (solute carrier family 25 member 21; minus strand), SLC25A21-AS1 (SLC25A21 antisense RNA 1; plus strand). Cytogenetic location: 14q13.3.
Variant type: single nucleotide variant.
Coding change: c.43C>T on transcript NM_030631.4 (MANE Select); coding-DNA position 43, C replaced by T.
Protein change: p.Arg15Trp; replaces arginine 15 with tryptophan.
Molecular consequence: missense variant. On other transcripts: non-coding transcript variant (1).
Genome position (GRCh38, 1-based): chr14:37,172,308, G>A on the plus strand (C>T on the coding strand, the complement: SLC25A21 is on the minus strand). VCF-style: chr14-37172308-G-A. GRCh37 (hg19) VCF-style: chr14-37641513-G-A.
Other names: c.43C>T, p.Arg15Trp (NM_001171170.2); short protein forms R15W.
Identifiers: ClinVar variation 3367058 (VCV003367058.1).

ClinVar aggregate classification (germline): Uncertain significance (1 of 4 stars; one submission).

Conditions:
Mitochondrial DNA depletion syndrome 18. Identifiers: MedGen C5394140, MONDO:0032932, OMIM 618811.

gnomAD v4.1: 8 of 1,602,242 alleles (0.0005%); highest among the groups gnomAD compares: Non-Finnish European, 0.00068%; no homozygotes.

Submission:

Neuberg Centre For Genomic Medicine, NCGM
Classification: Uncertain significance for Mitochondrial DNA depletion syndrome 18. Last evaluated: 2023-05-20. Review status: criteria provided, single submitter. Criteria: ACMG Guidelines, 2015. Collection method: clinical testing. Allele origin: germline. Inheritance: Autosomal recessive inheritance. Affected: yes.
Comment: The missense c.43C>T (p.Arg15Trp) variant in the SLC25A21 gene has not been reported previously as a pathogenic variant nor as a benign variant, to our knowledge. This variant is absent in the gnomAD Exomes. The amino acid Arginine at position 15 is changed to a Tryptophan changing protein sequence and it might alter its composition and physico-chemical properties. Multiple lines of computational evidence (Polyphen-Benign, SIFT-Tolerated and MutationTaster-Polymorphism) predict no damaging effect on protein structure and function for this variant. The amino acid Arginine in SLC25A21 is predicted as conserved by GERP++ and PhyloP across 100 vertebrates. For these reasons, this variant has been classified as Uncertain Significance.